The following is an entry in ClinVar:

NM_080425.4(GNAS):c.957C>T (p.Asp319=)

Gene: GNAS (GNAS complex locus; plus strand). Cytogenetic location: 20q13.32.
Variant type: single nucleotide variant.
Coding change: c.957C>T on transcript NM_080425.4 (MANE Plus Clinical); coding-DNA position 957, C replaced by T.
Protein change: p.Asp319=; no amino-acid change (aspartic acid 319 retained).
Molecular consequence: synonymous variant. On other transcripts: missense variant (2), intron variant (3).
Genome position (GRCh38, 1-based): chr20:58,854,222, C>T. VCF-style: chr20-58854222-C-T. GRCh37 (hg19) VCF-style: chr20-57429277-C-T.
Other names: c.770C>T, p.Thr257Met (NM_001077490.3, NM_001309883.1); c.957C>T, p.Asp319= (NM_001410913.1); c.*42+13336C>T (NM_016592.5); c.43+13336C>T (NM_001410912.1); c.-39+12347C>T (NM_001309861.2); short protein forms T257M.
Identifiers: ClinVar variation 3353617 (VCV003353617.2).

ClinVar aggregate classification (germline): Likely benign. Review status: criteria provided, single submitter (1 of 4 stars). 2 submissions from 2 submitters: Likely benign (1). 1 of the submissions does not count toward it. Last evaluated 2025-01-10.

Conditions:
Inborn genetic diseases. Identifiers: MedGen C0950123, MeSH D030342.
GNAS-related disorder. Identifiers: MedGen CN380105.

gnomAD v4.1: 3 of 1,613,140 alleles (0.00019%); highest among the groups gnomAD compares: Middle Eastern, 0.016%; no homozygotes.

Submissions (2):

Ambry Genetics
Classification: Likely benign for Inborn genetic diseases. Last evaluated: 2025-01-10. Review status: criteria provided, single submitter. Criteria: Ambry Variant Classification Scheme 2023. Collection method: clinical testing. Allele origin: germline.

PreventionGenetics, part of Exact Sciences
Classification: Uncertain significance for GNAS-related condition. Last evaluated: 2024-09-07. Review status: no assertion criteria provided. Collection method: clinical testing. Allele origin: germline. Not counted in ClinVar's aggregate classification.
Comment: The GNAS c.770C>T variant is predicted to result in the amino acid substitution p.Thr257Met. In the primary transcript listed in the Human Gene Mutation Database, this variant is pre-coding (NM_000516.7, c.-37505C>T). To our knowledge, this variant has not been reported in the literature or in a large population database, indicating this variant is rare. At this time, the clinical significance of this variant is uncertain due to the absence of conclusive functional and genetic evidence.